The following is an entry in ClinVar:

ClinVar aggregate classification (germline): Uncertain significance (1 of 4 stars; one submission).

Submission:

GeneDx
Classification: Uncertain significance. Last evaluated: 2024-03-07. Review status: criteria provided, single submitter. Criteria: GeneDx Variant Classification Process June 2021. Collection method: clinical testing. Allele origin: germline. Affected: yes.
Comment: Not observed at significant frequency in large population cohorts (gnomAD); In silico analysis supports that this missense variant has a deleterious effect on protein structure/function; Has not been previously published as pathogenic or benign to our knowledge; This variant is associated with the following publications: (PMID: 19926015)

NM_001035.3(RYR2):c.7715G>C (p.Cys2572Ser)

Gene: RYR2 (ryanodine receptor 2; plus strand). Cytogenetic location: 1q43.
Variant type: single nucleotide variant.
Coding change: c.7715G>C on transcript NM_001035.3 (MANE Select); coding-DNA position 7715, G replaced by C.
Protein change: p.Cys2572Ser; replaces cysteine 2572 with serine.
Molecular consequence: missense variant.
Genome position (GRCh38, 1-based): chr1:237,650,079, G>C. VCF-style: chr1-237650079-G-C. GRCh37 (hg19) VCF-style: chr1-237813379-G-C.
Other names: short protein forms C2572S.
Identifiers: ClinVar variation 3370717 (VCV003370717.1).